The following is an entry in ClinVar:

NM_006206.6(PDGFRA):c.2182A>G (p.Asn728Asp)

Gene: PDGFRA (platelet derived growth factor receptor alpha; plus strand). Cytogenetic location: 4q12.
Variant type: single nucleotide variant.
Coding change: c.2182A>G on transcript NM_006206.6 (MANE Select); coding-DNA position 2182, A replaced by G.
Protein change: p.Asn728Asp; replaces asparagine 728 with aspartic acid.
Molecular consequence: missense variant.
Genome position (GRCh38, 1-based): chr4:54,280,341, A>G. VCF-style: chr4-54280341-A-G. GRCh37 (hg19) VCF-style: chr4-55146508-A-G.
Other names: c.2182A>G, p.Asn728Asp (NM_001347827.2, NM_001347829.2); c.2257A>G, p.Asn753Asp (NM_001347828.2); c.2221A>G, p.Asn741Asp (NM_001347830.2); short protein forms N728D, N753D, N741D.
Identifiers: ClinVar variation 1940409 (VCV001940409.5), dbSNP rs2110323434, ClinGen allele CA356894244.
Genomic context (GRCh38, chr4:54,280,341, plus strand): 5'-CACCCTGGGTAAGATTTCTCTTTCTGTTTTTACAGCTATGTTATTTTATCTTTTGAAAAC[A>G]ATGGTGACTACATGGACATGAAGCAGGCTGATACTACACAGTATGTCCCCATGCTAGAAA-3'
Protein context (NP_006197.1, residues 718-738): RSYVILSFEN[Asn728Asp]GDYMDMKQAD

ClinVar aggregate classification (germline): Uncertain significance (1 of 4 stars; one submission).

Conditions:
Gastrointestinal stromal tumor. Also called: Gastrointestinal stromal tumor, somatic; Gastrointestinal stroma tumor. Identifiers: Orphanet 44890, MedGen C0238198, MeSH D046152, MONDO:0011719, OMIM 606764, HP:0100723.

Allele frequency attached by ClinVar (database versions not stated): gnomAD exomes below 0.00001.
gnomAD v4.1: 1 of 1,613,894 alleles (0.000062%); highest among the groups gnomAD compares: Non-Finnish European, 0.000085%; no homozygotes.

Submission:

Labcorp Genetics (formerly Invitae), Labcorp
Classification: Uncertain significance for Gastrointestinal stromal tumor. Last evaluated: 2022-08-16. Review status: criteria provided, single submitter. Criteria: Invitae Variant Classification Sherloc (09022015). Collection method: clinical testing. Allele origin: germline.
Comment: This variant is not present in population databases (gnomAD no frequency). In summary, the available evidence is currently insufficient to determine the role of this variant in disease. Therefore, it has been classified as a Variant of Uncertain Significance. Algorithms developed to predict the effect of missense changes on protein structure and function are either unavailable or do not agree on the potential impact of this missense change (SIFT: "Tolerated"; PolyPhen-2: "Possibly Damaging"; Align-GVGD: "Class C0"). This variant has not been reported in the literature in individuals affected with PDGFRA-related conditions. This sequence change replaces asparagine, which is neutral and polar, with aspartic acid, which is acidic and polar, at codon 728 of the PDGFRA protein (p.Asn728Asp).